The following is an entry in ClinVar:

ClinVar aggregate classification (germline): Conflicting classifications of pathogenicity. Review status: criteria provided, conflicting classifications (1 of 4 stars). 2 submissions from 2 submitters: Likely pathogenic (1); Uncertain significance (1). Last evaluated 2023-01-24.

Conditions:
PLA2G6-associated neurodegeneration (PLAN). Also called: phospholipase A2-associated neurodegeneration. Identifiers: Orphanet 329303, MedGen CN204472, MONDO:0017998.
Iron accumulation in brain. Identifiers: MedGen C4021076, HP:0012675.

Allele frequency attached by ClinVar (database versions not stated): gnomAD exomes below 0.00001 and 0.00001.
gnomAD v4.1: 3 of 1,554,064 alleles (0.00019%); highest among the groups gnomAD compares: Non-Finnish European, 0.000087%; no homozygotes.

Submissions (2):

Broad Center for Mendelian Genomics, Broad Institute of MIT and Harvard
Classification: Uncertain significance for PLA2G6-associated neurodegeneration. Last evaluated: 2023-01-24. Review status: criteria provided, single submitter. Criteria: ACMG Guidelines, 2015. Collection method: curation. Allele origin: germline. Inheritance: Autosomal recessive inheritance.
Comment: The p.Leu497Phe variant in PLA2G6 has not been previously reported in the literature in individuals with PLA2G6-associated neurodegeneration, but has been identified in 0.002% (1/63308) of European (non-Finnish) chromosomes by the Genome Aggregation Database (gnomAD; dbSNP ID: rs587784331). Although this variant has been seen in the general population in a heterozygous state, its frequency is low enough to be consistent with a recessive carrier frequency. This variant has also been reported in ClinVar (Variation ID#: 159732) and has been interpreted as likely pathogenic by Genetic Services Laboratory (University of Chicago). Computational prediction tools and conservation analyses suggest that this variant may impact the protein, though this information is not predictive enough to determine pathogenicity. In summary, the clinical significance of the p.Leu497Phe variant is uncertain. ACMG/AMP Criteria applied: PP3, PM2_supporting (Richards 2015).

Genetic Services Laboratory, University of Chicago
Classification: Likely pathogenic for iron accumulation in brain. Last evaluated: 2013-02-08. Review status: criteria provided, single submitter. Criteria: ACMG Guidelines, 2007. Collection method: clinical testing. Allele origin: germline. Inheritance: Autosomal recessive inheritance. Affected: yes.

NM_003560.4(PLA2G6):c.1489C>T (p.Leu497Phe)

Gene: PLA2G6 (phospholipase A2 group VI; minus strand). Cytogenetic location: 22q13.1.
Variant type: single nucleotide variant.
Coding change: c.1489C>T on transcript NM_003560.4 (MANE Select); coding-DNA position 1489, C replaced by T.
Protein change: p.Leu497Phe; replaces leucine 497 with phenylalanine.
Molecular consequence: missense variant.
Genome position (GRCh38, 1-based): chr22:38,123,197, G>A on the plus strand (C>T on the coding strand, the complement: PLA2G6 is on the minus strand). VCF-style: chr22-38123197-G-A. GRCh37 (hg19) VCF-style: chr22-38519204-G-A.
Other names: NM_003560.4(PLA2G6):c.1489C>T; p.Leu497Phe; c.1327C>T, p.Leu443Phe (NM_001004426.3, NM_001199562.3, NM_001349865.2 and 1 more transcripts); c.1489C>T, p.Leu497Phe (NM_001349864.2); c.955C>T, p.Leu319Phe (NM_001349867.2); c.811C>T, p.Leu271Phe (NM_001349868.2); c.793C>T, p.Leu265Phe (NM_001349869.2); short protein forms L497F, L271F, L265F, L319F, L443F.
Identifiers: ClinVar variation 159732 (VCV000159732.7), dbSNP rs587784331, ClinGen allele CA173206.
Genomic context (GRCh38, chr22:38,123,197, plus strand): 5'-CCGCCACCCAGTCAAACAGGTCCTTGGTGGCCACACCCGAGGCCTTCTCGATGGCGATGA[G>A]GAGCTGGATGATGATGAGGCCTTTCACTCCTCCTCCATCCAGGCACAGCAGGTGGTCGTG-3'
Protein context (NP_003551.2, residues 487-507): GVKGLIIIQL[Leu497Phe]IAIEKASGVA